The following is an entry in ClinVar:

NM_001267550.2(TTN):c.60896G>A (p.Gly20299Asp)

Genes: TTN (titin; minus strand), TTN-AS1 (TTN antisense RNA 1; plus strand). Cytogenetic location: 2q31.2.
Variant type: single nucleotide variant.
Coding change: c.60896G>A on transcript NM_001267550.2 (MANE Select); coding-DNA position 60896, G replaced by A.
Protein change: p.Gly20299Asp; replaces glycine 20299 with aspartic acid.
Molecular consequence: missense variant.
Genome position (GRCh38, 1-based): chr2:178,590,829, C>T on the plus strand (G>A on the coding strand, the complement: TTN is on the minus strand). VCF-style: chr2-178590829-C-T. GRCh37 (hg19) VCF-style: chr2-179455556-C-T.
Other names: c.55973G>A, p.Gly18658Asp (NM_001256850.1); c.33701G>A, p.Gly11234Asp (NM_003319.4); c.53192G>A, p.Gly17731Asp (NM_133378.4); c.34076G>A, p.Gly11359Asp (NM_133432.3); c.34277G>A, p.Gly11426Asp (NM_133437.4); short protein forms G11234D, G11359D, G11426D, G17731D, G18658D, G20299D.
Identifiers: ClinVar variation 2573340 (VCV002573340.1), dbSNP rs2469452755, ClinGen allele CA349478669.

ClinVar aggregate classification (germline): Uncertain significance (1 of 4 stars; one submission).

Submission:

Women's Health and Genetics/Laboratory Corporation of America, LabCorp
Classification: Uncertain significance. Last evaluated: 2023-06-26. Review status: criteria provided, single submitter. Criteria: LabCorp Variant Classification Summary - May 2015. Collection method: clinical testing. Allele origin: germline.
Comment: Variant summary: TTN c.53192G>A (p.Gly17731Asp) results in a non-conservative amino acid change located in the A-band region of the encoded protein sequence. Five of five in-silico tools predict a damaging effect of the variant on protein function. The variant was absent in 247816 control chromosomes in gnomAD. The available data on variant occurrences in the general population are insufficient to allow any conclusion about variant significance. To our knowledge, no occurrence of c.53192G>A in individuals affected with Dilated Cardiomyopathy and no experimental evidence demonstrating its impact on protein function have been reported. No submitters have cited clinical-significance assessments for this variant to ClinVar after 2014. Based on the evidence outlined above, the variant was classified as uncertain significance.